The following is an entry in ClinVar:

ClinVar aggregate classification (germline): Uncertain significance (1 of 4 stars; one submission).

gnomAD v4.1: 56 of 1,613,990 alleles (0.0035%); highest among the groups gnomAD compares: Middle Eastern, 0.016%; no homozygotes.

Submission:

CeGaT Center for Human Genetics Tuebingen
Classification: Uncertain significance. Last evaluated: 2026-08-01. Review status: criteria provided, single submitter. Criteria: CeGaT Center For Human Genetics Tuebingen Variant Classification Criteria Version 2. Collection method: clinical testing. Allele origin: germline. Affected: yes. Observed: 1 variant allele.
Comment: OTOA: PM2, BP4

NM_144672.4(OTOA):c.929A>G (p.Glu310Gly)

Gene: OTOA (otoancorin). Cytogenetic location: 16p12.2.
Variant type: single nucleotide variant.
Coding change: c.929A>G on transcript NM_144672.4 (MANE Select); coding-DNA position 929, A replaced by G.
Protein change: p.Glu310Gly; replaces glutamic acid 310 with glycine.
Molecular consequence: missense variant.
Genome position (GRCh38, 1-based): chr16:21,700,976, A>G. VCF-style: chr16-21700976-A-G. GRCh37 (hg19) VCF-style: chr16-21712297-A-G.
Other names: c.692A>G, p.Glu231Gly (NM_001161683.2); short protein forms E231G, E310G.
Identifiers: ClinVar variation 5038630 (VCV005038630.1).